The following is an entry in ClinVar:

ClinVar aggregate classification (germline): Uncertain significance. Review status: criteria provided, multiple submitters, no conflicts (2 of 4 stars). 2 submissions from 2 submitters: Uncertain significance (2). Last evaluated 2025-01-13.

Allele frequency attached by ClinVar (database versions not stated): TOPMed 0.00007; gnomAD 0.00010; ESP Exome Variant Server 0.00031.

Submissions (2):

Labcorp Genetics (formerly Invitae), Labcorp
Classification: Uncertain significance. Last evaluated: 2025-01-13. Review status: criteria provided, single submitter. Criteria: Invitae Variant Classification Sherloc (09022015). Collection method: clinical testing. Allele origin: germline.
Comment: This sequence change replaces proline, which is neutral and non-polar, with serine, which is neutral and polar, at codon 398 of the COL9A1 protein (p.Pro398Ser). This variant is present in population databases (rs142579851, gnomAD 0.02%). This variant has not been reported in the literature in individuals affected with COL9A1-related conditions. ClinVar contains an entry for this variant (Variation ID: 1450621). Invitae Evidence Modeling of protein sequence and biophysical properties (such as structural, functional, and spatial information, amino acid conservation, physicochemical variation, residue mobility, and thermodynamic stability) indicates that this missense variant is not expected to disrupt COL9A1 protein function with a negative predictive value of 95%. In summary, the available evidence is currently insufficient to determine the role of this variant in disease. Therefore, it has been classified as a Variant of Uncertain Significance.

GeneDx
Classification: Uncertain significance. Last evaluated: 2024-05-24. Review status: criteria provided, single submitter. Criteria: GeneDx Variant Classification Process June 2021. Collection method: clinical testing. Allele origin: germline. Affected: yes.
Comment: In silico analysis supports that this missense variant has a deleterious effect on protein structure/function; Has not been previously published as pathogenic or benign to our knowledge

NM_001851.6(COL9A1):c.1192C>T (p.Pro398Ser)

Gene: COL9A1 (collagen type IX alpha 1 chain; minus strand). Cytogenetic location: 6q13.
Variant type: single nucleotide variant.
Coding change: c.1192C>T on transcript NM_001851.6 (MANE Select); coding-DNA position 1192, C replaced by T.
Protein change: p.Pro398Ser; replaces proline 398 with serine.
Molecular consequence: missense variant. On other transcripts: non-coding transcript variant (1).
Genome position (GRCh38, 1-based): chr6:70,270,319, G>A on the plus strand (C>T on the coding strand, the complement: COL9A1 is on the minus strand). VCF-style: chr6-70270319-G-A. GRCh37 (hg19) VCF-style: chr6-70980022-G-A.
Other names: c.463C>T, p.Pro155Ser (NM_001377289.1, NM_001377290.1, NM_078485.4); c.1192C>T (NM_001851.4); short protein forms P155S, P398S.
Identifiers: ClinVar variation 1450621 (VCV001450621.5), dbSNP rs142579851, ClinGen allele CA3882353.